The following is an entry in ClinVar:

ClinVar aggregate classification (germline): Uncertain significance (1 of 4 stars; one submission).

Conditions:
Autosomal recessive ataxia, Beauce type. Also called: SYNE1-Related Autosomal Recessive Cerebellar Ataxia; Spinocerebellar ataxia, autosomal recessive 8; ATAXIA, RECESSIVE, OF BEAUCE; SYNE1 Deficiency. Identifiers: Orphanet 88644, MedGen C1853116, MONDO:0012549, OMIM 610743.
Emery-Dreifuss muscular dystrophy 4, autosomal dominant (EDMD4). Also called: EMERY-DREIFUSS MUSCULAR DYSTROPHY 4 WITH VARIABLE FEATURES. Identifiers: Orphanet 261, MedGen C2751807, MONDO:0013071, OMIM 612998.

Allele frequency attached by ClinVar (database versions not stated): ExAC 0.00001.
gnomAD v4.1: 1 of 1,614,008 alleles (0.000062%); highest among the groups gnomAD compares: Non-Finnish European, 0.000085%; no homozygotes.

Submission:

Labcorp Genetics (formerly Invitae), Labcorp
Classification: Uncertain significance for Emery-Dreifuss muscular dystrophy 4, autosomal dominant; Autosomal recessive ataxia, Beauce type. Last evaluated: 2023-04-05. Review status: criteria provided, single submitter. Criteria: Invitae Variant Classification Sherloc (09022015). Collection method: clinical testing. Allele origin: germline.
Comment: In summary, the available evidence is currently insufficient to determine the role of this variant in disease. Therefore, it has been classified as a Variant of Uncertain Significance. An algorithm developed to predict the effect of missense changes on protein structure and function (PolyPhen-2) suggests that this variant is likely to be disruptive. ClinVar contains an entry for this variant (Variation ID: 1491840). This variant has not been reported in the literature in individuals affected with SYNE1-related conditions. This variant is present in population databases (rs778036632, gnomAD 0.002%). This sequence change replaces serine, which is neutral and polar, with isoleucine, which is neutral and non-polar, at codon 7334 of the SYNE1 protein (p.Ser7334Ile).

NM_182961.4(SYNE1):c.22214G>T (p.Ser7405Ile)

Gene: SYNE1 (spectrin repeat containing nuclear envelope protein 1; minus strand). Cytogenetic location: 6q25.2.
Variant type: single nucleotide variant.
Coding change: c.22214G>T on transcript NM_182961.4 (MANE Select); coding-DNA position 22214, G replaced by T.
Protein change: p.Ser7405Ile; replaces serine 7405 with isoleucine.
Molecular consequence: missense variant.
Genome position (GRCh38, 1-based): chr6:152,215,038, C>A on the plus strand (G>T on the coding strand, the complement: SYNE1 is on the minus strand). VCF-style: chr6-152215038-C-A. GRCh37 (hg19) VCF-style: chr6-152536173-C-A.
Other names: c.22001G>T, p.Ser7334Ile (NM_033071.5); short protein forms S7405I, S7334I.
Identifiers: ClinVar variation 1491840 (VCV001491840.6), dbSNP rs778036632, ClinGen allele CA4053932.
Genomic context (GRCh38, chr6:152,215,038, plus strand): 5'-TTATCATTCAAGGGTAACCTATATCCAAGCTCATTTAGACGGTCTAAATCTGGAGCCATG[C>A]TGCTGAATTTTAACATCTGTCCCTAGAAGGAAGATTTAAAAGTAGGTTTAGCACCATGGT-3'
Protein context (NP_892006.3, residues 7395-7415): ELKGQMLKFS[Ser7405Ile]MAPDLDRLNE